The following is an entry in ClinVar:

ClinVar aggregate classification (germline): Pathogenic. Review status: criteria provided, multiple submitters, no conflicts (2 of 4 stars). 2 submissions from 2 submitters: Pathogenic (2). Last evaluated 2023-05-24.

Conditions:
Familial cancer of breast. Also called: hereditary breast carcinoma; BREAST CANCER, FAMILIAL; Hereditary breast cancer. Identifiers: Orphanet 227535, MedGen C0346153, MONDO:0016419, OMIM 114480. Disease mechanism: loss of function.

Allele frequency attached by ClinVar (database versions not stated): gnomAD exomes below 0.00001.

Submissions (2):

Myriad Genetics, Inc.
Classification: Pathogenic for Familial cancer of breast. Last evaluated: 2023-05-24. Review status: criteria provided, single submitter. Criteria: Myriad Autosomal Dominant, Autosomal Recessive and X-Linked Classification Criteria (2023). Collection method: clinical testing. Allele origin: unknown.
Comment: This variant is considered pathogenic. This variant creates a frameshift predicted to result in premature protein truncation.

Labcorp Genetics (formerly Invitae), Labcorp
Classification: Pathogenic for Familial cancer of breast. Last evaluated: 2022-06-21. Review status: criteria provided, single submitter. Criteria: Invitae Variant Classification Sherloc (09022015). Collection method: clinical testing. Allele origin: germline.
Comment: This sequence change creates a premature translational stop signal (p.Ala589Glyfs*5) in the BARD1 gene. It is expected to result in an absent or disrupted protein product. Loss-of-function variants in BARD1 are known to be pathogenic (PMID: 20077502, 21344236). This variant is not present in population databases (gnomAD no frequency). This premature translational stop signal has been observed in individual(s) with male breast cancer (PMID: 30613976). For these reasons, this variant has been classified as Pathogenic.

Literature cited by the submitters: PubMed 20077502 (cited by Labcorp Genetics (formerly Invitae), Labcorp); PubMed 21344236 (cited by Labcorp Genetics (formerly Invitae), Labcorp); PubMed 30613976 (cited by Labcorp Genetics (formerly Invitae), Labcorp).

NM_000465.4(BARD1):c.1765dup (p.Ala589fs)

Gene: BARD1 (BRCA1 associated RING domain 1; minus strand). Cytogenetic location: 2q35.
Variant type: Duplication.
Coding change: c.1765dup on transcript NM_000465.4 (MANE Select); coding-DNA position 1765, one base duplicated (G; older notation c.1765dupG).
Protein change: p.Ala589fs; shifts the reading frame from alanine 589.
Molecular consequence: frameshift variant. On other transcripts: non-coding transcript variant (3), intron variant (1).
Genome position (GRCh38, 1-based): chr2:214,745,767, C duplicated on the plus strand (G on the coding strand, the reverse complement: BARD1 is on the minus strand). VCF-style (leftmost placement, unchanged base first): chr2-214745766-G-GC. GRCh37 (hg19) VCF-style: chr2-215610490-G-GC.
Other names: c.1708dup, p.Ala570fs (NM_001282543.2); c.412dup, p.Ala138fs (NM_001282545.2); c.355dup, p.Ala119fs (NM_001282548.2); c.365-15259dup (NM_001282549.2); short protein forms A119fs, A570fs, A589fs, A138fs.
Identifiers: ClinVar variation 2091708 (VCV002091708.6), dbSNP rs2469342544, ClinGen allele CA2580065613.